The following is an entry in ClinVar:

NM_006415.4(SPTLC1):c.326T>C (p.Leu109Pro)

Gene: SPTLC1 (serine palmitoyltransferase long chain base subunit 1; minus strand). Cytogenetic location: 9q22.31.
Variant type: single nucleotide variant.
Coding change: c.326T>C on transcript NM_006415.4 (MANE Select); coding-DNA position 326, T replaced by C.
Protein change: p.Leu109Pro; replaces leucine 109 with proline.
Molecular consequence: missense variant. On other transcripts: 5 prime UTR variant (2).
Genome position (GRCh38, 1-based): chr9:92,080,898, A>G on the plus strand (T>C on the coding strand, the complement: SPTLC1 is on the minus strand). VCF-style: chr9-92080898-A-G. GRCh37 (hg19) VCF-style: chr9-94843180-A-G.
Other names: c.326T>C, p.Leu109Pro (NM_001281303.2, NM_178324.3); c.-174T>C (NM_001368272.1); c.-140T>C (NM_001368273.1); short protein forms L109P.
Identifiers: ClinVar variation 3020629 (VCV003020629.3), dbSNP rs1160493446, ClinGen allele CA373788711.

ClinVar aggregate classification (germline): Uncertain significance (1 of 4 stars; one submission).

Conditions:
Hereditary sensory and autonomic neuropathy type 1 (HSAN1). Also called: HSAN 1; HSN Type I; Hereditary Sensory Neuropathy Type I. Identifiers: Orphanet 36386, MedGen C0020071, MONDO:0018213.

Allele frequency attached by ClinVar (database versions not stated): gnomAD exomes 0.00001; gnomAD 0.00001.
gnomAD v4.1: 12 of 1,614,056 alleles (0.00074%); highest among the groups gnomAD compares: Non-Finnish European, 0.001%; no homozygotes.

Submission:

Labcorp Genetics (formerly Invitae), Labcorp
Classification: Uncertain significance for Hereditary sensory and autonomic neuropathy type 1. Last evaluated: 2023-10-15. Review status: criteria provided, single submitter. Criteria: Invitae Variant Classification Sherloc (09022015). Collection method: clinical testing. Allele origin: germline.
Comment: This sequence change replaces leucine, which is neutral and non-polar, with proline, which is neutral and non-polar, at codon 109 of the SPTLC1 protein (p.Leu109Pro). This variant is present in population databases (no rsID available, gnomAD 0.007%). This variant has not been reported in the literature in individuals affected with SPTLC1-related conditions. Advanced modeling of protein sequence and biophysical properties (such as structural, functional, and spatial information, amino acid conservation, physicochemical variation, residue mobility, and thermodynamic stability) performed at Invitae indicates that this missense variant is expected to disrupt SPTLC1 protein function. In summary, the available evidence is currently insufficient to determine the role of this variant in disease. Therefore, it has been classified as a Variant of Uncertain Significance.